The following is an entry in ClinVar:

ClinVar aggregate classification (germline): Pathogenic. Review status: criteria provided, multiple submitters, no conflicts (2 of 4 stars). 2 submissions from 2 submitters: Pathogenic (2). Last evaluated 2025-10-08.

Conditions:
Hereditary breast ovarian cancer syndrome. Also called: Breast and ovarian cancer; Hereditary breast and ovarian cancer; Hereditary breast and/or ovarian cancer syndrome; BRCA1- and BRCA2-Associated Hereditary Breast and Ovarian Cancer; Hereditary breast and ovarian cancer syndrome; Hereditary breast and ovarian cancer syndrome (HBOC). Identifiers: Orphanet 145, MedGen C0677776, MeSH D061325, MONDO:0003582. Disease mechanism: loss of function.
Hereditary cancer-predisposing syndrome. Also called: Tumor predisposition; Hereditary neoplastic syndrome; Neoplastic Syndromes, Hereditary; Hereditary Cancer Syndrome. Identifiers: Orphanet 140162, MedGen C0027672, MeSH D009386, MONDO:0015356.

Submissions (2):

Ambry Genetics
Classification: Pathogenic for Hereditary cancer-predisposing syndrome. Last evaluated: 2025-10-08. Review status: criteria provided, single submitter. Criteria: Ambry Variant Classification Scheme 2023. Collection method: clinical testing. Allele origin: germline.
Comment: The c.308delT pathogenic mutation, located in coding exon 2 of the BRCA2 gene, results from a deletion of one nucleotide at nucleotide position 308, causing a translational frameshift with a predicted alternate stop codon (p.L103*). This variant is considered to be rare based on population cohorts in the Genome Aggregation Database (gnomAD). This alteration is expected to result in loss of function by premature protein truncation or nonsense-mediated mRNA decay. As such, this alteration is interpreted as a disease-causing mutation.

Labcorp Genetics (formerly Invitae), Labcorp
Classification: Pathogenic for Hereditary breast ovarian cancer syndrome. Last evaluated: 2019-12-11. Review status: criteria provided, single submitter. Criteria: Invitae Variant Classification Sherloc (09022015). Collection method: clinical testing. Allele origin: germline.
Comment: This sequence change creates a premature translational stop signal (p.Leu103*) in the BRCA2 gene. It is expected to result in an absent or disrupted protein product. This variant is not present in population databases (ExAC no frequency). This variant has not been reported in the literature in individuals with BRCA2-related conditions. Loss-of-function variants in BRCA2 are known to be pathogenic (PMID: 20104584). For these reasons, this variant has been classified as Pathogenic.

Literature cited by the submitters: PubMed 20104584 (cited by Labcorp Genetics (formerly Invitae), Labcorp).

NM_000059.4(BRCA2):c.308del (p.Lys102_Leu103insTer)

Gene: BRCA2 (BRCA2 DNA repair associated; plus strand). Cytogenetic location: 13q13.1.
Variant type: Deletion.
Coding change: c.308del on transcript NM_000059.4 (MANE Select); coding-DNA position 308, one base deleted (T; older notation c.308delT).
Protein change: p.Lys102_Leu103insTer.
Molecular consequence: nonsense.
Genome position (GRCh38, 1-based): chr13:32,319,317, T deleted; the last of 2 consecutive T bases (chr13:32,319,316-32,319,317); deleting either gives the same sequence. VCF-style (leftmost placement, unchanged base first): chr13-32319315-AT-A. GRCh37 (hg19) VCF-style: chr13-32893452-AT-A.
Other names: c.308delT (NM_000059.3).
Identifiers: ClinVar variation 845871 (VCV000845871.14), dbSNP rs1057517572, ClinGen allele CA913189207.
Genomic context (GRCh38, chr13:32,319,315, plus strand): 5'-AGAGCAAGGGCTGACTCTGCCGCTGTACCAATCTCCTGTAAAAGAATTAGATAAATTCAA[AT>A]TAGACTTAGGTAAGTAATGCAATATGGTAGACTGGGGAGAACTACAAACTAGGAATTTAG-3'